The following is an entry in ClinVar:

NM_005431.2(XRCC2):c.723del (p.Ser242fs)

Gene: XRCC2 (X-ray repair cross complementing 2; minus strand). Cytogenetic location: 7q36.1.
Variant type: Deletion.
Coding change: c.723del on transcript NM_005431.2 (MANE Select); coding-DNA position 723, one base deleted (C; older notation c.723delC).
Protein change: p.Ser242fs; shifts the reading frame from serine 242.
Molecular consequence: frameshift variant.
Genome position (GRCh38, 1-based): chr7:152,648,762, G deleted on the plus strand (C on the coding strand, the reverse complement: XRCC2 is on the minus strand). VCF-style (leftmost placement, unchanged base first): chr7-152648761-AG-A. GRCh37 (hg19) VCF-style: chr7-152345846-AG-A.
Other names: short protein forms S242fs.
Identifiers: ClinVar variation 3471478 (VCV003471478.1).

ClinVar aggregate classification (germline): Uncertain significance (1 of 4 stars; one submission).

Conditions:
Hereditary cancer-predisposing syndrome. Also called: Tumor predisposition; Neoplastic Syndromes, Hereditary; Hereditary neoplastic syndrome; Hereditary Cancer Syndrome. Identifiers: Orphanet 140162, MedGen C0027672, MeSH D009386, MONDO:0015356.

Submission:

Ambry Genetics
Classification: Uncertain significance for Hereditary cancer-predisposing syndrome. Last evaluated: 2024-11-25. Review status: criteria provided, single submitter. Criteria: Ambry Variant Classification Scheme 2023. Collection method: clinical testing. Allele origin: germline.
Comment: The c.723delC variant, located in coding exon 3 of the XRCC2 gene, results from a deletion of one nucleotide at nucleotide position 723, causing a translational frameshift with a predicted alternate stop codon (p.S242Pfs*14). This alteration occurs at the 3' terminus of the XRCC2 gene, is not expected to trigger nonsense-mediated mRNAdecay, and only impacts the last 14% of the protein. The exact functional effect of this alteration is unknown. Based on the available evidence, the clinical significance of this variant remains unclear.